The following is an entry in ClinVar:

ClinVar aggregate classification (germline): Uncertain significance (1 of 4 stars; one submission).

gnomAD v4.1: 11 of 1,614,000 alleles (0.00068%); highest among the groups gnomAD compares: Admixed American, 0.0017%; no homozygotes.

Submission:

Women's Health and Genetics/Laboratory Corporation of America, LabCorp
Classification: Uncertain significance. Last evaluated: 2026-04-09. Review status: criteria provided, single submitter. Criteria: LabCorp Variant Classification Summary - May 2015. Collection method: clinical testing. Allele origin: germline.
Comment: Variant summary: ATP8B1 c.1235G>A (p.Arg412His) results in a non-conservative amino acid change in the encoded protein sequence. Algorithms developed to predict the effect of missense changes on protein structure and function all suggest that this variant is likely to be disruptive. The variant allele was found at a frequency of 8e-06 in 251398 control chromosomes. The available data on variant occurrences in the general population are insufficient to allow any conclusion about variant significance. To our knowledge, no occurrence of c.1235G>A in individuals affected with ATP8B1-related conditions and no experimental evidence demonstrating its impact on protein function have been reported. No submitters have cited clinical-significance assessments for this variant to ClinVar. Based on the evidence outlined above, the variant was classified as uncertain significance.

NM_001374385.1(ATP8B1):c.1235G>A (p.Arg412His)

Gene: ATP8B1 (ATPase phospholipid transporting 8B1; minus strand). Cytogenetic location: 18q21.31.
Variant type: single nucleotide variant.
Coding change: c.1235G>A on transcript NM_001374385.1 (MANE Select); coding-DNA position 1235, G replaced by A.
Protein change: p.Arg412His; replaces arginine 412 with histidine.
Molecular consequence: missense variant.
Genome position (GRCh38, 1-based): chr18:57,688,493, C>T on the plus strand (G>A on the coding strand, the complement: ATP8B1 is on the minus strand). VCF-style: chr18-57688493-C-T. GRCh37 (hg19) VCF-style: chr18-55355725-C-T.
Other names: c.1085G>A, p.Arg362His (NM_001374386.1); c.1235G>A, p.Arg412His (NM_005603.6); short protein forms R362H, R412H.
Identifiers: ClinVar variation 4848722 (VCV004848722.1).